The following is an entry in ClinVar:

NM_000284.4(PDHA1):c.*392G>A

Gene: PDHA1 (pyruvate dehydrogenase E1 subunit alpha 1; plus strand). Cytogenetic location: Xp22.12.
Variant type: single nucleotide variant.
Coding change: c.*392G>A on transcript NM_000284.4 (MANE Select); 392 bases downstream of the stop codon, G replaced by A.
Molecular consequence: 3 prime UTR variant.
Genome position (GRCh38, 1-based): chrX:19,360,045, G>A. VCF-style: chrX-19360045-G-A. GRCh37 (hg19) VCF-style: chrX-19378163-G-A.
Other names: c.*392G>A (NM_001173454.2, NM_001173455.2, NM_001173456.2).
Identifiers: ClinVar variation 913341 (VCV000913341.4), dbSNP rs56318063, ClinGen allele CA327031866.

ClinVar aggregate classification (germline): Benign (1 of 4 stars; one submission).

Conditions:
Pyruvate dehydrogenase E1-alpha deficiency (PDHAD). Also called: ATAXIA, INTERMITTENT, WITH PYRUVATE DEHYDROGENASE DEFICIENCY; ATAXIA WITH LACTIC ACIDOSIS I; ATAXIA, INTERMITTENT, WITH ABNORMAL PYRUVATE METABOLISM; Ataxia, intermittent, with pyruvate dehydrogenase, or decarboxylase, deficiency. Identifiers: Orphanet 79243, MedGen C1839413, MONDO:0010717, OMIM 312170.

Allele frequency attached by ClinVar (database versions not stated): gnomAD exomes 0.00438; 1000 Genomes Project 0.02040; TOPMed 0.02045; gnomAD 0.02057 and 0.02182; 1000 Genomes Project 30x 0.03163.
gnomAD v4.1: 2,460 of 213,093 alleles (1.2%); highest among the groups gnomAD compares: African/African-American, 9.3%; 45 homozygotes.

Submission:

Illumina Laboratory Services, Illumina
Classification: Benign for Pyruvate dehydrogenase E1-alpha deficiency. Last evaluated: 2018-01-12. Review status: criteria provided, single submitter. Criteria: ICSL Variant Classification Criteria 13 December 2019. Collection method: clinical testing. Allele origin: germline.
Comment: This variant was observed in the ICSL laboratory as part of a predisposition screen in an ostensibly healthy population. It had not been previously curated by ICSL or reported in the Human Gene Mutation Database (HGMD: prior to June 1st, 2018), and was therefore a candidate for classification through an automated scoring system. Utilizing variant allele frequency, disease prevalence and penetrance estimates, and inheritance mode, an automated score was calculated to assess if this variant is too frequent to cause the disease. Based on the score and internal cut-off values, a variant classified as benign is not then subjected to further curation. The score for this variant resulted in a classification of benign for this disease.